The following is an entry in ClinVar:

NM_007294.4(BRCA1):c.1895_1904del (p.Ser632fs)

Gene: BRCA1 (BRCA1 DNA repair associated; minus strand). Cytogenetic location: 17q21.31.
Variant type: Deletion.
Coding change: c.1895_1904del on transcript NM_007294.4 (MANE Select); coding-DNA positions 1895 to 1904, 10 bases deleted (GCCCACCTAA; older notation c.1895_1904delGCCCACCTAA).
Protein change: p.Ser632fs; shifts the reading frame from serine 632.
Molecular consequence: frameshift variant. On other transcripts: intron variant (137).
Genome position (GRCh38, 1-based): chr17:43,093,627-43,093,636, TTAGGTGGGC deleted on the plus strand (GCCCACCTAA on the coding strand, the reverse complement: BRCA1 is on the minus strand); deleting any 10 consecutive bases within chr17:43,093,627-43,093,640 gives the same sequence; the c. name uses the placement nearest the transcript's 3' end. VCF-style (leftmost placement, unchanged base first): chr17-43093626-ATTAGGTGGGC-A. GRCh37 (hg19) VCF-style: chr17-41245643-ATTAGGTGGGC-A.
Other names: c.1391_1400del, p.Ser464fs (NM_001407965.1); c.1007_1016del, p.Ser336fs (NM_001407966.1, NM_001407967.1); c.1754_1763del, p.Ser585fs (NM_007297.4, NM_001407692.1, NM_001407694.1 and 29 more transcripts); c.1895_1904del, p.Ser632fs (NM_007300.4, NM_001407581.1, NM_001407582.1 and 30 more transcripts); c.283+1108_283+1117del (NM_001408512.1); c.646+1108_646+1117del (NM_001408469.1, NM_001408453.1, NM_001408461.1 and 11 more transcripts); c.406+1108_406+1117del (NM_001408510.1); c.643+1108_643+1117del (NM_001408470.1, NM_001408464.1, NM_001408468.1 and 3 more transcripts); and 40 more; short protein forms S504fs, S543fs, S561fs, S564fs, S590fs, S336fs, S606fs, S464fs.
Identifiers: ClinVar variation 2755026 (VCV002755026.3), dbSNP rs2552196923, ClinGen allele CA2697554269.

ClinVar aggregate classification (germline): Pathogenic (1 of 4 stars; one submission).

Conditions:
Hereditary breast ovarian cancer syndrome. Also called: Hereditary breast and ovarian cancer; Hereditary breast and ovarian cancer syndrome; Breast and ovarian cancer; BRCA1- and BRCA2-Associated Hereditary Breast and Ovarian Cancer; Hereditary breast and ovarian cancer syndrome (HBOC); Hereditary breast and/or ovarian cancer syndrome. Identifiers: Orphanet 145, MedGen C0677776, MeSH D061325, MONDO:0003582. Disease mechanism: loss of function.

Submission:

Labcorp Genetics (formerly Invitae), Labcorp
Classification: Pathogenic for Hereditary breast ovarian cancer syndrome. Last evaluated: 2023-08-25. Review status: criteria provided, single submitter. Criteria: Invitae Variant Classification Sherloc (09022015). Collection method: clinical testing. Allele origin: germline.
Comment: This variant has not been reported in the literature in individuals affected with BRCA1-related conditions. For these reasons, this variant has been classified as Pathogenic. This variant is not present in population databases (gnomAD no frequency). This sequence change creates a premature translational stop signal (p.Ser632Ilefs*16) in the BRCA1 gene. It is expected to result in an absent or disrupted protein product. Loss-of-function variants in BRCA1 are known to be pathogenic (PMID: 20104584).

Literature cited by the submitters: PubMed 20104584.